The following is an entry in ClinVar:

ClinVar aggregate classification (germline): Uncertain significance (1 of 4 stars; one submission).

Conditions:
Emery-Dreifuss muscular dystrophy 5, autosomal dominant (EDMD5). Also called: EMERY-DREIFUSS MUSCULAR DYSTROPHY 5. Identifiers: Orphanet 261, MedGen C2751805, MONDO:0013072, OMIM 612999.

Allele frequency attached by ClinVar (database versions not stated): gnomAD exomes below 0.00001; TOPMed below 0.00001; ExAC 0.00001.
gnomAD v4.1: 4 of 1,613,596 alleles (0.00025%); highest among the groups gnomAD compares: Middle Eastern, 0.017%; no homozygotes.

Submission:

Labcorp Genetics (formerly Invitae), Labcorp
Classification: Uncertain significance for Emery-Dreifuss muscular dystrophy 5, autosomal dominant. Last evaluated: 2026-01-24. Review status: criteria provided, single submitter. Criteria: Invitae Variant Classification Sherloc (09022015). Collection method: clinical testing. Allele origin: germline.
Comment: This sequence change replaces glutamic acid, which is acidic and polar, with lysine, which is basic and polar, at codon 2071 of the SYNE2 protein (p.Glu2071Lys). The frequency data for this variant in the population databases is considered unreliable, as metrics indicate poor data quality at this position in the gnomAD database. This variant has not been reported in the literature in individuals affected with SYNE2-related conditions. ClinVar contains an entry for this variant (Variation ID: 1415916). An algorithm developed to predict the effect of missense changes on protein structure and function (PolyPhen-2) suggests that this variant is likely to be disruptive. In summary, the available evidence is currently insufficient to determine the role of this variant in disease. Therefore, it has been classified as a Variant of Uncertain Significance.

NM_182914.3(SYNE2):c.6211G>A (p.Glu2071Lys)

Gene: SYNE2 (spectrin repeat containing nuclear envelope protein 2; plus strand). Cytogenetic location: 14q23.2.
Variant type: single nucleotide variant.
Coding change: c.6211G>A on transcript NM_182914.3 (MANE Select); coding-DNA position 6211, G replaced by A.
Protein change: p.Glu2071Lys; replaces glutamic acid 2071 with lysine.
Molecular consequence: missense variant.
Genome position (GRCh38, 1-based): chr14:64,025,380, G>A. VCF-style: chr14-64025380-G-A. GRCh37 (hg19) VCF-style: chr14-64492098-G-A.
Other names: c.6211G>A, p.Glu2071Lys (NM_015180.6); short protein forms E2071K.
Identifiers: ClinVar variation 1415916 (VCV001415916.6), dbSNP rs551783338, ClinGen allele CA7220639.